The following is an entry in ClinVar:

NM_024757.5(EHMT1):c.1845A>T (p.Lys615Asn)

Gene: EHMT1 (euchromatic histone lysine methyltransferase 1; plus strand). Cytogenetic location: 9q34.3.
Variant type: single nucleotide variant.
Coding change: c.1845A>T on transcript NM_024757.5 (MANE Select); coding-DNA position 1845, A replaced by T.
Protein change: p.Lys615Asn; replaces lysine 615 with asparagine.
Molecular consequence: missense variant.
Genome position (GRCh38, 1-based): chr9:137,776,671, A>T. VCF-style: chr9-137776671-A-T. GRCh37 (hg19) VCF-style: chr9-140671123-A-T.
Other names: c.1845A>T, p.Lys615Asn (NM_001145527.2); c.1752A>T, p.Lys584Asn (NM_001354259.2); c.1824A>T, p.Lys608Asn (NM_001354263.2); short protein forms K584N, K608N, K615N.
Identifiers: ClinVar variation 1806102 (VCV001806102.1), dbSNP rs2542369121, ClinGen allele CA375775910.

ClinVar aggregate classification (germline): Uncertain significance (1 of 4 stars; one submission).

Conditions:
Kleefstra syndrome 1 (KLEFS1). Identifiers: Orphanet 261494, MedGen C0795833, MONDO:0027407, OMIM 610253.

Submission:

Victorian Clinical Genetics Services, Murdoch Childrens Research Institute
Classification: Uncertain significance for Kleefstra syndrome 1. Last evaluated: 2019-08-28. Review status: criteria provided, single submitter. Criteria: ACMG Guidelines, 2015. Collection method: clinical testing. Allele origin: germline. Inheritance: Autosomal dominant inheritance.
Comment: A heterozygous missense variant, NM_024757.4(EHMT1):c.1845C>T, has been identified in exon 12 of 27 of the EHMT1 gene. The variant is predicted to result in a moderate amino acid change from lysine to asparagine at position 615 of the protein (NP_079033.4(EHMT1):p.(Lys615Asn)). The lysine residue at this position has low conservation (100 vertebrates, UCSC), but is not located within a well established functional domain. In silico predictions of pathogenicity for this variant are conflicting (Polyphen, SIFT, CADD, Mutation Taster). The variant is absent in population databases (gnomAD) and has not been previously reported in clinical cases. Based on the information available at the time of curation, this variant has been classified as a VARIANT of UNCERTAIN SIGNIFICANCE (VUS).